The following is an entry in ClinVar:

ClinVar aggregate classification (germline): Uncertain significance (1 of 4 stars; one submission).

Conditions:
Kabuki syndrome. Also called: Kabuki make-up syndrome; NIIKAWA-KUROKI SYNDROME. Identifiers: Orphanet 2322, MedGen C0796004, MONDO:0016512.

Submission:

Labcorp Genetics (formerly Invitae), Labcorp
Classification: Uncertain significance for Kabuki syndrome. Last evaluated: 2021-07-28. Review status: criteria provided, single submitter. Criteria: Invitae Variant Classification Sherloc (09022015). Collection method: clinical testing. Allele origin: germline.
Comment: In summary, the available evidence is currently insufficient to determine the role of this variant in disease. Therefore, it has been classified as a Variant of Uncertain Significance. Advanced modeling of protein sequence and biophysical properties (such as structural, functional, and spatial information, amino acid conservation, physicochemical variation, residue mobility, and thermodynamic stability) performed at Invitae indicates that this missense variant is not expected to disrupt KMT2D protein function. This variant has not been reported in the literature in individuals affected with KMT2D-related conditions. This variant is not present in population databases (ExAC no frequency). This sequence change replaces glutamine with glutamic acid at codon 3969 of the KMT2D protein (p.Gln3969Glu). The glutamine residue is moderately conserved and there is a small physicochemical difference between glutamine and glutamic acid.

NM_003482.4(KMT2D):c.11905C>G (p.Gln3969Glu)

Gene: KMT2D (lysine methyltransferase 2D; minus strand). Cytogenetic location: 12q13.12.
Variant type: single nucleotide variant.
Coding change: c.11905C>G on transcript NM_003482.4 (MANE Select); coding-DNA position 11905, C replaced by G.
Protein change: p.Gln3969Glu; replaces glutamine 3969 with glutamic acid.
Molecular consequence: missense variant.
Genome position (GRCh38, 1-based): chr12:49,032,800, G>C on the plus strand (C>G on the coding strand, the complement: KMT2D is on the minus strand). VCF-style: chr12-49032800-G-C. GRCh37 (hg19) VCF-style: chr12-49426583-G-C.
Other names: short protein forms Q3969E.
Identifiers: ClinVar variation 1370722 (VCV001370722.6), dbSNP rs1942993654, ClinGen allele CA384714222.